The following is an entry in ClinVar:

ClinVar aggregate classification (germline): Uncertain significance (1 of 4 stars; one submission).

Allele frequency attached by ClinVar (database versions not stated): gnomAD 0.00002; TOPMed 0.00002.

Submission:

Labcorp Genetics (formerly Invitae), Labcorp
Classification: Uncertain significance. Last evaluated: 2025-11-03. Review status: criteria provided, single submitter. Criteria: Invitae Variant Classification Sherloc (09022015). Collection method: clinical testing. Allele origin: germline.
Comment: This sequence change replaces valine, which is neutral and non-polar, with leucine, which is neutral and non-polar, at codon 280 of the OTULIN protein (p.Val280Leu). This variant is not present in population databases (gnomAD no frequency). This variant has not been reported in the literature in individuals affected with OTULIN-related conditions. ClinVar contains an entry for this variant (Variation ID: 1992144). Invitae Evidence Modeling of protein sequence and biophysical properties (such as structural, functional, and spatial information, amino acid conservation, physicochemical variation, residue mobility, and thermodynamic stability) indicates that this missense variant is not expected to disrupt OTULIN protein function with a negative predictive value of 80%. In summary, the available evidence is currently insufficient to determine the role of this variant in disease. Therefore, it has been classified as a Variant of Uncertain Significance.

NM_138348.6(OTULIN):c.838G>C (p.Val280Leu)

Gene: OTULIN (OTU deubiquitinase with linear linkage specificity; plus strand). Cytogenetic location: 5p15.2.
Variant type: single nucleotide variant.
Coding change: c.838G>C on transcript NM_138348.6 (MANE Select); coding-DNA position 838, G replaced by C.
Protein change: p.Val280Leu; replaces valine 280 with leucine.
Molecular consequence: missense variant.
Genome position (GRCh38, 1-based): chr5:14,690,282, G>C. VCF-style: chr5-14690282-G-C. GRCh37 (hg19) VCF-style: chr5-14690391-G-C.
Other names: short protein forms V280L.
Identifiers: ClinVar variation 1992144 (VCV001992144.4), dbSNP rs770769344, ClinGen allele CA359243978.
Genomic context (GRCh38, chr5:14,690,282, plus strand): 5'-CTGTTTGCTCGGGACACATCAAATGACCCAGGACAGCTTCTGAGGAACCACCTCAACCAG[G>C]TGGGACACACTGGTGGTCTTGAACAGGTAAGTTGTGCTTTTGAGCATGTATTACCCCAAA-3'
Protein context (NP_612357.4, residues 270-290): GQLLRNHLNQ[Val280Leu]GHTGGLEQVE